The following is an entry in ClinVar:

ClinVar aggregate classification (germline): Likely benign (1 of 4 stars; one submission).

Conditions:
PPARG-related disorder. Also called: PPARG-related disorders; PPARG-related condition.

gnomAD v4.1: 7 of 1,613,898 alleles (0.00043%); highest among the groups gnomAD compares: Middle Eastern, 0.016%; no homozygotes.

Submission:

PreventionGenetics, part of Exact Sciences
Classification: Likely benign for PPARG-related condition. Last evaluated: 2025-08-28. Review status: criteria provided, single submitter. Criteria: ACMG Guidelines, 2015. Collection method: clinical testing. Allele origin: germline.
Comment: This variant is classified as likely benign based on ACMG/AMP sequence variant interpretation guidelines (Richards et al. 2015 PMID: 25741868, with internal and published modifications).

NM_138711.6(PPARG):c.33C>G (p.Thr11=)

Gene: PPARG (peroxisome proliferator activated receptor gamma; plus strand). Cytogenetic location: 3p25.2.
Variant type: single nucleotide variant.
Coding change: c.33C>G on transcript NM_138711.6 (MANE Select); coding-DNA position 33, C replaced by G.
Protein change: p.Thr11=; no amino-acid change (threonine 11 retained).
Molecular consequence: synonymous variant. On other transcripts: 5 prime UTR variant (1).
Genome position (GRCh38, 1-based): chr3:12,379,744, C>G. VCF-style: chr3-12379744-C-G. GRCh37 (hg19) VCF-style: chr3-12421243-C-G.
Other names: c.33C>G, p.Thr11= (NM_001330615.4, NM_001354666.3, NM_001354667.3 and 6 more transcripts); c.123C>G, p.Thr41= (NM_001354668.2, NM_001374265.1, NM_015869.5); c.-395C>G (NM_001354669.2); c.39C>G, p.Thr13= (NM_001354670.2, NM_001374266.1).
Identifiers: ClinVar variation 4988390 (VCV004988390.1).
Genomic context (GRCh38, chr3:12,379,744, plus strand): 5'-TAGTCTATTTTTCCTTTCAGAAATGACCATGGTTGACACAGAGATGCCATTCTGGCCCAC[C>G]AACTTTGGGATCAGCTCCGTGGATCTCTCCGTAATGGAAGACCACTCCCACTCCTTTGAT-3'
Protein context (NP_619725.3, residues 1-21): MVDTEMPFWP[Thr11=]NFGISSVDLS